The following is an entry in ClinVar:

NM_170606.3(KMT2C):c.9263-6T>A

Gene: KMT2C (lysine methyltransferase 2C; minus strand). Cytogenetic location: 7q36.1.
Variant type: single nucleotide variant.
Coding change: c.9263-6T>A on transcript NM_170606.3 (MANE Select); 6 bases into the intron before coding-DNA position 9263, T replaced by A.
Molecular consequence: intron variant.
Genome position (GRCh38, 1-based): chr7:152,174,248, A>T on the plus strand (T>A on the coding strand, the complement: KMT2C is on the minus strand). VCF-style: chr7-152174248-A-T. GRCh37 (hg19) VCF-style: chr7-151871333-A-T.
Identifiers: ClinVar variation 3336443 (VCV003336443.1).

ClinVar aggregate classification (germline): Uncertain significance (1 of 4 stars; one submission).

gnomAD v4.1: 19 of 1,380,746 alleles (0.0014%); highest among the groups gnomAD compares: Non-Finnish European, 0.0017%; no homozygotes.

Submission:

Women's Health and Genetics/Laboratory Corporation of America, LabCorp
Classification: Uncertain significance. Last evaluated: 2024-05-22. Review status: criteria provided, single submitter. Criteria: LabCorp Variant Classification Summary - May 2015. Collection method: clinical testing. Allele origin: germline.
Comment: Variant summary: KMT2C c.9263-6T>A alters a non-conserved nucleotide located close to a canonical splice site and therefore could affect mRNA splicing, leading to a significantly altered protein sequence. Consensus agreement among computation tools predict no significant impact on normal splicing. However, these predictions have yet to be confirmed by functional studies. The variant allele was found at a frequency of 8.5e-06 in 235468 control chromosomes. The available data on variant occurrences in the general population are insufficient to allow any conclusion about variant significance. To our knowledge, no occurrence of c.9263-6T>A in individuals affected with Kleefstra Syndrome 2 and no experimental evidence demonstrating its impact on protein function have been reported. No submitters have cited clinical-significance assessments for this variant to ClinVar. Based on the evidence outlined above, the variant was classified as uncertain significance.